The following is an entry in ClinVar:

NM_000038.6(APC):c.3032C>A (p.Ala1011Glu)

Gene: APC (APC regulator of Wnt signaling pathway; plus strand). Cytogenetic location: 5q22.2.
Variant type: single nucleotide variant.
Coding change: c.3032C>A on transcript NM_000038.6 (MANE Select); coding-DNA position 3032, C replaced by A.
Protein change: p.Ala1011Glu; replaces alanine 1011 with glutamic acid.
Molecular consequence: missense variant.
Genome position (GRCh38, 1-based): chr5:112,838,626, C>A. VCF-style: chr5-112838626-C-A. GRCh37 (hg19) VCF-style: chr5-112174323-C-A.
Other names: c.3032C>A, p.Ala1011Glu (NM_001127510.3, NM_001354895.2); c.2978C>A, p.Ala993Glu (NM_001127511.3); c.3086C>A, p.Ala1029Glu (NM_001354896.2); c.3062C>A, p.Ala1021Glu (NM_001354897.2); c.2957C>A, p.Ala986Glu (NM_001354898.2); c.2948C>A, p.Ala983Glu (NM_001354899.2); c.2909C>A, p.Ala970Glu (NM_001354900.2); c.2855C>A, p.Ala952Glu (NM_001354901.2); and 5 more; short protein forms A851E, A920E, A952E, A983E, A1011E, A728E, A970E, A986E.
Identifiers: ClinVar variation 934537 (VCV000934537.11), dbSNP rs1765320980, ClinGen allele CA16027964.
Genomic context (GRCh38, chr5:112,838,626, plus strand): 5'-AAAGTAAGTTTTGCAGTTATGGTCAATACCCAGCCGACCTAGCCCATAAAATACATAGTG[C>A]AAATCATATGGATGATAATGATGGAGAACTAGATACACCAATAAATTATAGTCTTAAATA-3'
Protein context (NP_000029.2, residues 1001-1021): PADLAHKIHS[Ala1011Glu]NHMDDNDGEL

ClinVar aggregate classification (germline): Uncertain significance (1 of 4 stars; one submission).

Conditions:
Familial adenomatous polyposis 1 (FAP1). Also called: POLYPOSIS, ADENOMATOUS INTESTINAL; FAMILIAL ADENOMATOUS POLYPOSIS 1, ATTENUATED. Identifiers: MedGen C2713442, MONDO:0021056, OMIM 175100. Disease mechanism: loss of function.

Submission:

Labcorp Genetics (formerly Invitae), Labcorp
Classification: Uncertain significance for Familial adenomatous polyposis 1. Last evaluated: 2022-06-07. Review status: criteria provided, single submitter. Criteria: Invitae Variant Classification Sherloc (09022015). Collection method: clinical testing. Allele origin: germline.
Comment: This sequence change replaces alanine, which is neutral and non-polar, with glutamic acid, which is acidic and polar, at codon 1011 of the APC protein (p.Ala1011Glu). This variant is not present in population databases (gnomAD no frequency). This variant has not been reported in the literature in individuals affected with APC-related conditions. ClinVar contains an entry for this variant (Variation ID: 934537). Algorithms developed to predict the effect of missense changes on protein structure and function are either unavailable or do not agree on the potential impact of this missense change (SIFT: "Deleterious"; PolyPhen-2: "Probably Damaging"; Align-GVGD: "Class C15"). In summary, the available evidence is currently insufficient to determine the role of this variant in disease. Therefore, it has been classified as a Variant of Uncertain Significance.